The following is an entry in ClinVar:

NM_020831.6(MRTFA):c.1507G>A (p.Ala503Thr)

Gene: MRTFA (myocardin related transcription factor A; minus strand). Cytogenetic location: 22q13.1.
Variant type: single nucleotide variant.
Coding change: c.1507G>A on transcript NM_020831.6 (MANE Select); coding-DNA position 1507, G replaced by A.
Protein change: p.Ala503Thr; replaces alanine 503 with threonine.
Molecular consequence: missense variant.
Genome position (GRCh38, 1-based): chr22:40,419,231, C>T on the plus strand (G>A on the coding strand, the complement: MRTFA is on the minus strand). VCF-style: chr22-40419231-C-T. GRCh37 (hg19) VCF-style: chr22-40815235-C-T.
Other names: c.1207G>A, p.Ala403Thr (NM_001282660.2); c.1357G>A, p.Ala453Thr (NM_001282661.3); c.1507G>A, p.Ala503Thr (NM_001282662.3); c.1312G>A, p.Ala438Thr (NM_001318139.2); short protein forms A453T, A503T, A403T, A438T.
Identifiers: ClinVar variation 2990305 (VCV002990305.3), dbSNP rs766920620, ClinGen allele CA324468548.

ClinVar aggregate classification (germline): Uncertain significance (1 of 4 stars; one submission).

Allele frequency attached by ClinVar (database versions not stated): gnomAD exomes 0.00001.
gnomAD v4.1: 8 of 1,608,950 alleles (0.0005%); highest among the groups gnomAD compares: Non-Finnish European, 0.00068%; no homozygotes.

Submission:

Labcorp Genetics (formerly Invitae), Labcorp
Classification: Uncertain significance. Last evaluated: 2025-10-21. Review status: criteria provided, single submitter. Criteria: Invitae Variant Classification Sherloc (09022015). Collection method: clinical testing. Allele origin: germline.
Comment: This sequence change replaces alanine, which is neutral and non-polar, with threonine, which is neutral and polar, at codon 403 of the MKL1 protein (p.Ala403Thr). This variant is not present in population databases (gnomAD no frequency). This variant has not been reported in the literature in individuals affected with MKL1-related conditions. ClinVar contains an entry for this variant (Variation ID: 2990305). An algorithm developed to predict the effect of missense changes on protein structure and function outputs the following: PolyPhen-2: "Benign". The threonine amino acid residue is found in multiple mammalian species, which suggests that this missense change does not adversely affect protein function. In summary, the available evidence is currently insufficient to determine the role of this variant in disease. Therefore, it has been classified as a Variant of Uncertain Significance.